The following is an entry in ClinVar:

ClinVar aggregate classification (germline): Conflicting classifications of pathogenicity. Review status: criteria provided, conflicting classifications (1 of 4 stars). 2 submissions from 2 submitters: Uncertain significance (1); Likely benign (1). Last evaluated 2026-01-12.

Conditions:
Intellectual disability, autosomal recessive 53 (NEDHSCA). Also called: GLYCOSYLPHOSPHATIDYLINOSITOL BIOSYNTHESIS DEFECT 13; NEURODEVELOPMENTAL DISORDER WITH OR WITHOUT HYPOTONIA, SEIZURES, AND CEREBELLAR ATROPHY; Mental retardation, autosomal recessive 53. Identifiers: Orphanet 488635, MedGen C4310794, MONDO:0014832, OMIM 616917.

Allele frequency attached by ClinVar (database versions not stated): TOPMed 0.00002.
gnomAD v4.1: 3 of 1,614,202 alleles (0.00019%); highest among the groups gnomAD compares: Admixed American, 0.0017%; no homozygotes.

Submissions (2):

Labcorp Genetics (formerly Invitae), Labcorp
Classification: Likely benign for Intellectual disability, autosomal recessive 53. Last evaluated: 2026-01-12. Review status: criteria provided, single submitter. Criteria: Invitae Variant Classification Sherloc (09022015). Collection method: clinical testing. Allele origin: germline.

Baylor Genetics
Classification: Uncertain significance for Intellectual disability, autosomal recessive 53. Last evaluated: 2019-10-23. Review status: criteria provided, single submitter. Criteria: ACMG Guidelines, 2015. Collection method: clinical testing. Allele origin: unknown. Affected: yes.
Comment: This variant was determined to be of uncertain significance according to ACMG Guidelines, 2015 [PMID:25741868].

NM_001127178.3(PIGG):c.1428T>C (p.Phe476=)

Gene: PIGG (phosphatidylinositol glycan anchor biosynthesis class G (EMM blood group); plus strand). Cytogenetic location: 4p16.3.
Variant type: single nucleotide variant.
Coding change: c.1428T>C on transcript NM_001127178.3 (MANE Select); coding-DNA position 1428, T replaced by C.
Protein change: p.Phe476=; no amino-acid change (phenylalanine 476 retained).
Molecular consequence: synonymous variant. On other transcripts: missense variant (1), 3 prime UTR variant (1), 5 prime UTR variant (2), non-coding transcript variant (10).
Genome position (GRCh38, 1-based): chr4:521,755, T>C. VCF-style: chr4-521755-T-C. GRCh37 (hg19) VCF-style: chr4-515544-T-C.
Other names: c.1161T>C, p.Phe387= (NM_001289051.2, NM_001289053.2, NM_001345986.2); c.1029T>C, p.Phe343= (NM_001289052.2); c.1016T>C, p.Phe339Ser (NM_001289055.2); c.*43T>C (NM_001289057.2); c.1137T>C, p.Phe379= (NM_001345987.2); c.399T>C, p.Phe133= (NM_001345988.2); c.1428T>C, p.Phe476= (NM_001345989.2); c.-106T>C (NM_001345990.2, NM_001345991.2); and 2 more; short protein forms F339S.
Identifiers: ClinVar variation 759571 (VCV000759571.9), dbSNP rs766083746, ClinGen allele CA437889012.